The following is an entry in ClinVar:

NM_002734.5(PRKAR1A):c.131A>G (p.Glu44Gly)

Gene: PRKAR1A (protein kinase cAMP-dependent type I regulatory subunit alpha; plus strand). Cytogenetic location: 17q24.2.
Variant type: single nucleotide variant.
Coding change: c.131A>G on transcript NM_002734.5 (MANE Select); coding-DNA position 131, A replaced by G.
Protein change: p.Glu44Gly; replaces glutamic acid 44 with glycine.
Molecular consequence: missense variant.
Genome position (GRCh38, 1-based): chr17:68,515,530, A>G. VCF-style: chr17-68515530-A-G. GRCh37 (hg19) VCF-style: chr17-66511671-A-G.
Other names: c.131A>G, p.Glu44Gly (NM_001276289.2, NM_001276290.1, NM_001278433.2 and 4 more transcripts); short protein forms E44G.
Identifiers: ClinVar variation 2915738 (VCV002915738.3), dbSNP rs2085406021, ClinGen allele CA400752028.

ClinVar aggregate classification (germline): Uncertain significance (1 of 4 stars; one submission).

Conditions:
Carney complex, type 1 (CNC1). Also called: CARNEY MYXOMA-ENDOCRINE COMPLEX; CARNEY COMPLEX, TYPE I. Identifiers: Orphanet 1359, MedGen C2607929, MONDO:0008057, OMIM 160980.

gnomAD v4.1: 9 of 1,613,100 alleles (0.00056%); highest among the groups gnomAD compares: Non-Finnish European, 0.00076%; no homozygotes.

Submission:

Labcorp Genetics (formerly Invitae), Labcorp
Classification: Uncertain significance for Carney complex, type 1. Last evaluated: 2023-12-13. Review status: criteria provided, single submitter. Criteria: Invitae Variant Classification Sherloc (09022015). Collection method: clinical testing. Allele origin: germline.
Comment: This sequence change replaces glutamic acid, which is acidic and polar, with glycine, which is neutral and non-polar, at codon 44 of the PRKAR1A protein (p.Glu44Gly). This variant is not present in population databases (gnomAD no frequency). This variant has not been reported in the literature in individuals affected with PRKAR1A-related conditions. An algorithm developed to predict the effect of missense changes on protein structure and function (PolyPhen-2) suggests that this variant is likely to be tolerated. In summary, the available evidence is currently insufficient to determine the role of this variant in disease. Therefore, it has been classified as a Variant of Uncertain Significance.